The following is an entry in ClinVar:

ClinVar aggregate classification (germline): Uncertain significance. Review status: criteria provided, multiple submitters, no conflicts (2 of 4 stars). 2 submissions from 2 submitters: Uncertain significance (2). Last evaluated 2024-06-10.

Conditions:
Hereditary cancer-predisposing syndrome. Also called: Neoplastic Syndromes, Hereditary; Hereditary neoplastic syndrome; Tumor predisposition; Hereditary Cancer Syndrome. Identifiers: Orphanet 140162, MedGen C0027672, MeSH D009386, MONDO:0015356.

Submissions (2):

Ambry Genetics
Classification: Uncertain significance for Hereditary cancer-predisposing syndrome. Last evaluated: 2024-06-10. Review status: criteria provided, single submitter. Criteria: Ambry Variant Classification Scheme 2023. Collection method: clinical testing. Allele origin: germline.
Comment: The p.V51F variant (also known as c.151G>T), located in coding exon 2 of the EPCAM gene, results from a G to T substitution at nucleotide position 151. The valine at codon 51 is replaced by phenylalanine, an amino acid with highly similar properties. This amino acid position is conserved. In addition, this alteration is predicted to be tolerated by in silico analysis. Since supporting evidence is limited at this time, the clinical significance of this alteration remains unclear.

Labcorp Genetics (formerly Invitae), Labcorp
Classification: Uncertain significance. Last evaluated: 2016-01-12. Review status: criteria provided, single submitter. Criteria: Invitae Variant Classification Sherloc (09022015). Collection method: clinical testing. Allele origin: germline.
Comment: This sequence change replaces valine with phenylalanine at codon 51 of the EPCAM protein (p.Val51Phe). The valine residue is weakly conserved and there is a small physicochemical difference between valine and phenylalanine. This variant is not present in population databases (ExAC no frequency) and has not been reported in the literature in individuals with a EPCAM-related disease. Algorithms developed to predict the effect of missense changes on protein structure and function (SIFT, PolyPhen-2, Align-GVGD) all suggest that this variant is likely to be tolerated, but these predictions have not been confirmed by published functional studies. In summary, this is a novel missense change that is not predicted to affect protein function or cause disease. However, the evidence is insufficient at this time to prove that conclusively. It has been classified as a Variant of Uncertain Significance.

NM_002354.3(EPCAM):c.151G>T (p.Val51Phe)

Gene: EPCAM (epithelial cell adhesion molecule; plus strand). Cytogenetic location: 2p21.
Variant type: single nucleotide variant.
Coding change: c.151G>T on transcript NM_002354.3 (MANE Select); coding-DNA position 151, G replaced by T.
Protein change: p.Val51Phe; replaces valine 51 with phenylalanine.
Molecular consequence: missense variant.
Genome position (GRCh38, 1-based): chr2:47,373,537, G>T. VCF-style: chr2-47373537-G-T. GRCh37 (hg19) VCF-style: chr2-47600676-G-T.
Other names: short protein forms V51F.
Identifiers: ClinVar variation 239122 (VCV000239122.12), dbSNP rs781673286, ClinGen allele CA10581978.